The following is an entry in ClinVar:

ClinVar aggregate classification (germline): Likely benign. Review status: criteria provided, multiple submitters, no conflicts (2 of 4 stars). 4 submissions from 4 submitters: Likely benign (3). 1 of the submissions does not count toward it. Last evaluated 2026-05-01.

Conditions:
LAMB1-related disorder. Also called: LAMB1-related condition.

Allele frequency attached by ClinVar (database versions not stated): ExAC 0.00008; gnomAD exomes 0.00011; TOPMed 0.00021; ESP Exome Variant Server 0.00031.
gnomAD v4.1: 187 of 1,613,892 alleles (0.012%); highest among the groups gnomAD compares: African/African-American, 0.056%; no homozygotes.

Submissions (4):

CeGaT Center for Human Genetics Tuebingen
Classification: Likely benign. Last evaluated: 2026-05-01. Review status: criteria provided, single submitter. Criteria: CeGaT Center For Human Genetics Tuebingen Variant Classification Criteria Version 2. Collection method: clinical testing. Allele origin: germline. Affected: yes. Observed: 1 variant allele.
Comment: LAMB1: BP4, BP7

Labcorp Genetics (formerly Invitae), Labcorp
Classification: Likely benign. Last evaluated: 2026-01-26. Review status: criteria provided, single submitter. Criteria: Invitae Variant Classification Sherloc (09022015). Collection method: clinical testing. Allele origin: germline.

Blueprint Genetics
Classification: Likely benign. Last evaluated: 2024-05-22. Review status: criteria provided, single submitter. Criteria: ACMG Guidelines, 2015. Collection method: clinical testing. Allele origin: germline.

PreventionGenetics, part of Exact Sciences
Classification: Likely benign for LAMB1-related condition. Last evaluated: 2022-11-22. Review status: no assertion criteria provided. Collection method: clinical testing. Allele origin: germline. Not counted in ClinVar's aggregate classification.
Comment: This variant is classified as likely benign based on ACMG/AMP sequence variant interpretation guidelines (Richards et al. 2015 PMID: 25741868, with internal and published modifications).

NM_002291.3(LAMB1):c.1758C>T (p.Ala586=)

Gene: LAMB1 (laminin subunit beta 1; minus strand). Cytogenetic location: 7q31.1.
Variant type: single nucleotide variant.
Coding change: c.1758C>T on transcript NM_002291.3 (MANE Select); coding-DNA position 1758, C replaced by T.
Protein change: p.Ala586=; no amino-acid change (alanine 586 retained).
Molecular consequence: synonymous variant.
Genome position (GRCh38, 1-based): chr7:107,963,004, G>A on the plus strand (C>T on the coding strand, the complement: LAMB1 is on the minus strand). VCF-style: chr7-107963004-G-A. GRCh37 (hg19) VCF-style: chr7-107603449-G-A.
Other names: c.1758C>T (NM_002291.2).
Identifiers: ClinVar variation 3021378 (VCV003021378.8), dbSNP rs149115420, ClinGen allele CA4435895.